The following is an entry in ClinVar:

ClinVar aggregate classification (germline): Uncertain significance. Review status: criteria provided, multiple submitters, no conflicts (2 of 4 stars). 2 submissions from 2 submitters: Uncertain significance (2). Last evaluated 2025-07-25.

Conditions:
Cardiovascular phenotype. Identifiers: MedGen CN230736.

gnomAD v4.1: 6 of 1,603,292 alleles (0.00037%); highest among the groups gnomAD compares: Non-Finnish European, 0.00051%; no homozygotes.

Submissions (2):

GeneDx
Classification: Uncertain significance. Last evaluated: 2025-07-25. Review status: criteria provided, single submitter. Criteria: GeneDx Variant Classification Process June 2021. Collection method: clinical testing. Allele origin: germline. Affected: yes.
Comment: Not observed at significant frequency in large population cohorts (gnomAD); In silico analysis supports that this missense variant has a deleterious effect on protein structure/function; Has not been previously published as pathogenic or benign to our knowledge; Located in one of the three hot-spot regions of the RYR2 gene, where the majority of pathogenic missense variants occur (PMID: 19926015); This variant is associated with the following publications: (PMID: 19926015)

Ambry Genetics
Classification: Uncertain significance for Cardiovascular phenotype. Last evaluated: 2023-11-01. Review status: criteria provided, single submitter. Criteria: Ambry Variant Classification Scheme 2023. Collection method: clinical testing. Allele origin: germline.
Comment: The p.G432D variant (also known as c.1295G>A), located in coding exon 15 of the RYR2 gene, results from a G to A substitution at nucleotide position 1295. The glycine at codon 432 is replaced by aspartic acid, an amino acid with similar properties. This amino acid position is highly conserved in available vertebrate species. In addition, this alteration is predicted to be deleterious by in silico analysis. Since supporting evidence is limited at this time, the clinical significance of this alteration remains unclear.

NM_001035.3(RYR2):c.1295G>A (p.Gly432Asp)

Gene: RYR2 (ryanodine receptor 2; plus strand). Cytogenetic location: 1q43.
Variant type: single nucleotide variant.
Coding change: c.1295G>A on transcript NM_001035.3 (MANE Select); coding-DNA position 1295, G replaced by A.
Protein change: p.Gly432Asp; replaces glycine 432 with aspartic acid.
Molecular consequence: missense variant.
Genome position (GRCh38, 1-based): chr1:237,454,393, G>A. VCF-style: chr1-237454393-G-A. GRCh37 (hg19) VCF-style: chr1-237617693-G-A.
Other names: short protein forms G432D.
Identifiers: ClinVar variation 3232382 (VCV003232382.2), dbSNP rs897586535, ClinGen allele CA345379810.